The following is an entry in ClinVar:

NM_001903.5(CTNNA1):c.2708T>A (p.Met903Lys)

Gene: CTNNA1 (catenin alpha 1; plus strand). Cytogenetic location: 5q31.2.
Variant type: single nucleotide variant.
Coding change: c.2708T>A on transcript NM_001903.5 (MANE Select); coding-DNA position 2708, T replaced by A.
Protein change: p.Met903Lys; replaces methionine 903 with lysine.
Molecular consequence: missense variant. On other transcripts: 3 prime UTR variant (5).
Genome position (GRCh38, 1-based): chr5:138,934,076, T>A. VCF-style: chr5-138934076-T-A. GRCh37 (hg19) VCF-style: chr5-138269765-T-A.
Other names: c.2708T>A (NM_001903.2); c.*253T>A (NM_001324005.1, NM_001290307.3, NM_001324002.1 and 2 more transcripts); c.1259T>A, p.Met420Lys (NM_001324006.1, NM_001324007.1, NM_001324008.1 and 2 more transcripts); c.1505T>A, p.Met502Lys (NM_001324011.1); c.1355T>A, p.Met452Lys (NM_001324012.1, NM_001324013.1); c.2399T>A, p.Met800Lys (NM_001290309.3); c.2339T>A, p.Met780Lys (NM_001290310.3); c.1598T>A, p.Met533Lys (NM_001290312.1, NM_001323987.1, NM_001323988.1 and 12 more transcripts); and 4 more; short protein forms M894K, M452K, M872K, M903K, M502K, M533K, M420K, M488K.
Identifiers: ClinVar variation 2832525 (VCV002832525.4), dbSNP rs1766027504, ClinGen allele CA361135819.

ClinVar aggregate classification (germline): Uncertain significance. Review status: criteria provided, multiple submitters, no conflicts (2 of 4 stars). 2 submissions from 2 submitters: Uncertain significance (2). Last evaluated 2025-06-14.

Conditions:
Hereditary cancer-predisposing syndrome. Also called: Neoplastic Syndromes, Hereditary; Tumor predisposition; Hereditary Cancer Syndrome; Hereditary neoplastic syndrome. Identifiers: Orphanet 140162, MedGen C0027672, MeSH D009386, MONDO:0015356.

Submissions (2):

Ambry Genetics
Classification: Uncertain significance for Hereditary cancer-predisposing syndrome. Last evaluated: 2025-06-14. Review status: criteria provided, single submitter. Criteria: Ambry Variant Classification Scheme 2023. Collection method: clinical testing. Allele origin: germline.
Comment: The p.M903K variant (also known as c.2708T>A), located in coding exon 17 of the CTNNA1 gene, results from a T to A substitution at nucleotide position 2708. The methionine at codon 903 is replaced by lysine, an amino acid with similar properties. This amino acid position is conserved. In addition, the in silico prediction for this alteration is inconclusive. Based on the available evidence, the clinical significance of this variant remains unclear.

Labcorp Genetics (formerly Invitae), Labcorp
Classification: Uncertain significance. Last evaluated: 2023-01-28. Review status: criteria provided, single submitter. Criteria: Invitae Variant Classification Sherloc (09022015). Collection method: clinical testing. Allele origin: germline.
Comment: In summary, the available evidence is currently insufficient to determine the role of this variant in disease. Therefore, it has been classified as a Variant of Uncertain Significance. Algorithms developed to predict the effect of missense changes on protein structure and function are either unavailable or do not agree on the potential impact of this missense change (SIFT: "Deleterious"; PolyPhen-2: "Benign"; Align-GVGD: "Class C0"). This variant has not been reported in the literature in individuals affected with CTNNA1-related conditions. This variant is not present in population databases (gnomAD no frequency). This sequence change replaces methionine, which is neutral and non-polar, with lysine, which is basic and polar, at codon 903 of the CTNNA1 protein (p.Met903Lys).